The following is an entry in ClinVar:

ClinVar aggregate classification (germline): Pathogenic (1 of 4 stars; one submission).

Conditions:
Arginase deficiency. Also called: ARGININEMIA; ARG1 DEFICIENCY; Arginase 1 Deficiency. Identifiers: Orphanet 90, MedGen C0268548, MONDO:0008814, OMIM 207800.

Submission:

Labcorp Genetics (formerly Invitae), Labcorp
Classification: Pathogenic for Arginase deficiency. Last evaluated: 2022-03-06. Review status: criteria provided, single submitter. Criteria: Invitae Variant Classification Sherloc (09022015). Collection method: clinical testing. Allele origin: germline.
Comment: For these reasons, this variant has been classified as Pathogenic. Algorithms developed to predict the effect of sequence changes on RNA splicing suggest that this variant may disrupt the consensus splice site. Disruption of this splice site has been observed in individual(s) with arginase deficiency (PMID: 7649538). This variant is not present in population databases (gnomAD no frequency). This sequence change affects a donor splice site in intron 1 of the ARG1 gene. It is expected to disrupt RNA splicing. Variants that disrupt the donor or acceptor splice site typically lead to a loss of protein function (PMID: 16199547), and loss-of-function variants in ARG1 are known to be pathogenic (PMID: 7649538, 12052859).

Literature cited by the submitters: PubMed 7649538; PubMed 16199547; PubMed 12052859.

NM_000045.4(ARG1):c.57+1G>T

Gene: ARG1 (arginase 1; plus strand). Cytogenetic location: 6q23.2.
Variant type: single nucleotide variant.
Coding change: c.57+1G>T on transcript NM_000045.4 (MANE Select); the canonical splice donor site of the intron after coding-DNA position 57, G replaced by T.
Molecular consequence: splice donor variant.
Genome position (GRCh38, 1-based): chr6:131,573,340, G>T. VCF-style: chr6-131573340-G-T. GRCh37 (hg19) VCF-style: chr6-131894480-G-T.
Other names: c.57+1G>T (NM_001244438.2, NM_001369020.1).
Identifiers: ClinVar variation 2102477 (VCV002102477.4), dbSNP rs587776539, ClinGen allele CA365649305.